The following is an entry in ClinVar:

ClinVar aggregate classification (germline): Likely benign. Review status: criteria provided, multiple submitters, no conflicts (2 of 4 stars). 3 submissions from 3 submitters: Likely benign (2). 1 of the submissions does not count toward it. Last evaluated 2026-01-01.

Conditions:
RAD51-related disorder. Also called: RAD51-related disorders; RAD51-related condition.

Allele frequency attached by ClinVar (database versions not stated): TOPMed 0.00018; gnomAD 0.00019; ExAC 0.00020; ESP Exome Variant Server 0.00023; gnomAD exomes 0.00023.
gnomAD v4.1: 365 of 1,613,604 alleles (0.023%); highest among the groups gnomAD compares: Non-Finnish European, 0.026%; no homozygotes.

Submissions (3):

CeGaT Center for Human Genetics Tuebingen
Classification: Likely benign. Last evaluated: 2026-01-01. Review status: criteria provided, single submitter. Criteria: CeGaT Center For Human Genetics Tuebingen Variant Classification Criteria Version 2. Collection method: clinical testing. Allele origin: germline. Affected: yes. Observed: 1 variant allele.
Comment: RAD51: PP2, BS2

Labcorp Genetics (formerly Invitae), Labcorp
Classification: Likely benign. Last evaluated: 2025-12-18. Review status: criteria provided, single submitter. Criteria: Invitae Variant Classification Sherloc (09022015). Collection method: clinical testing. Allele origin: germline.

PreventionGenetics, part of Exact Sciences
Classification: Uncertain significance for RAD51-related condition. Last evaluated: 2024-08-26. Review status: no assertion criteria provided. Collection method: clinical testing. Allele origin: germline. Not counted in ClinVar's aggregate classification.
Comment: The RAD51 c.419C>T variant is predicted to result in the amino acid substitution p.Thr140Met. This variant is also described using legacy nomenclature as p.Thr139Met. This variant is reported in 0.048% of alleles in individuals of European (Finnish) descent in gnomAD, which may be too common to be a primary cause of disease. This variant is classified in ClinVar as a variant of uncertain significance. Although we suspect that this variant may be benign, at this time, the clinical significance of this variant is uncertain due to the absence of conclusive functional and genetic evidence.

NM_002875.5(RAD51):c.416C>T (p.Thr139Met)

Gene: RAD51 (RAD51 recombinase; plus strand). Cytogenetic location: 15q15.1.
Variant type: single nucleotide variant.
Coding change: c.416C>T on transcript NM_002875.5 (MANE Select); coding-DNA position 416, C replaced by T.
Protein change: p.Thr139Met; replaces threonine 139 with methionine.
Molecular consequence: missense variant.
Genome position (GRCh38, 1-based): chr15:40,709,097, C>T. VCF-style: chr15-40709097-C-T. GRCh37 (hg19) VCF-style: chr15-41001295-C-T.
Other names: c.419C>T (NM_001164269.1); c.419C>T, p.Thr140Met (NM_001164269.2, NM_133487.4); c.416C>T, p.Thr139Met (NM_001164270.2); short protein forms T140M, T139M.
Identifiers: ClinVar variation 2069159 (VCV002069159.9), dbSNP rs148345609, ClinGen allele CA7484000.
Genomic context (GRCh38, chr15:40,709,097, plus strand): 5'-CTGGATCTATCACAGAAATGTTTGGAGAATTCCGAACTGGGAAGACCCAGATCTGTCATA[C>T]GCTAGCTGTCACCTGCCAGGTGAGCTGTTGGGGCTATAGCTAATCAAATAAGCAAGCATT-3'
Protein context (NP_002866.2, residues 129-149): FRTGKTQICH[Thr139Met]LAVTCQLPID